The following is an entry in ClinVar:

ClinVar aggregate classification (germline): Uncertain significance (1 of 4 stars; one submission).

Submission:

GeneDx
Classification: Uncertain significance. Last evaluated: 2021-05-27. Review status: criteria provided, single submitter. Criteria: GeneDx Variant Classification Process June 2021. Collection method: clinical testing. Allele origin: germline. Affected: yes.
Comment: Not observed at significant frequency in large population cohorts (Lek et al., 2016); In silico analysis supports that this missense variant has a deleterious effect on protein structure/function; Has not been previously published as pathogenic or benign to our knowledge; This variant is associated with the following publications: (PMID: 27535533)

NM_006521.6(TFE3):c.734A>G (p.Asn245Ser)

Gene: TFE3 (transcription factor binding to IGHM enhancer 3; minus strand). Cytogenetic location: Xp11.23.
Variant type: single nucleotide variant.
Coding change: c.734A>G on transcript NM_006521.6 (MANE Select); coding-DNA position 734, A replaced by G.
Protein change: p.Asn245Ser; replaces asparagine 245 with serine.
Molecular consequence: missense variant.
Genome position (GRCh38, 1-based): chrX:49,038,243, T>C on the plus strand (A>G on the coding strand, the complement: TFE3 is on the minus strand). VCF-style: chrX-49038243-T-C. GRCh37 (hg19) VCF-style: chrX-48895768-T-C.
Other names: c.419A>G, p.Asn140Ser (NM_001282142.2); short protein forms N140S, N245S.
Identifiers: ClinVar variation 1326840 (VCV001326840.2), dbSNP rs2147776238, ClinGen allele CA412909196.